The following is an entry in ClinVar:

NM_001348768.2(HECW2):c.3939C>G (p.Ile1313Met)

Gene: HECW2 (HECT, C2 and WW domain containing E3 ubiquitin protein ligase 2; minus strand). Cytogenetic location: 2q32.3.
Variant type: single nucleotide variant.
Coding change: c.3939C>G on transcript NM_001348768.2 (MANE Select); coding-DNA position 3939, C replaced by G.
Protein change: p.Ile1313Met; replaces isoleucine 1313 with methionine.
Molecular consequence: missense variant.
Genome position (GRCh38, 1-based): chr2:196,225,849, G>C on the plus strand (C>G on the coding strand, the complement: HECW2 is on the minus strand). VCF-style: chr2-196225849-G-C. GRCh37 (hg19) VCF-style: chr2-197090573-G-C.
Other names: c.2871C>G, p.Ile957Met (NM_001304840.3); c.3939C>G, p.Ile1313Met (NM_020760.4); short protein forms I1313M, I957M.
Identifiers: ClinVar variation 1306798 (VCV001306798.2), dbSNP rs2105832451, ClinGen allele CA349949886.

ClinVar aggregate classification (germline): Uncertain significance (1 of 4 stars; one submission).

Allele frequency attached by ClinVar (database versions not stated): gnomAD exomes below 0.00001.
gnomAD v4.1: 2 of 1,612,088 alleles (0.00012%); highest among the groups gnomAD compares: Non-Finnish European, 0.00017%; no homozygotes.

Submission:

GeneDx
Classification: Uncertain significance. Last evaluated: 2019-06-28. Review status: criteria provided, single submitter. Criteria: GeneDx Variant Classification Process June 2021. Collection method: clinical testing. Allele origin: germline. Affected: yes.
Comment: Has not been previously published as pathogenic or benign to our knowledge; Not observed in large population cohorts (Lek et al., 2016); In silico analysis, which includes protein predictors and evolutionary conservation, supports a deleterious effect; This variant is associated with the following publications: (PMID: 31780880)